The following is an entry in ClinVar:

NM_005359.5(SMAD4):c.(?_-1)_(*1_?)del

Gene: SMAD4 (SMAD family member 4; plus strand). Cytogenetic location: 18q21.2.
Variant type: Deletion.
Coding change: c.(?_-1)_(*1_?)del on transcript NM_005359.5; a large deletion whose breakpoints are not mapped to the base.
Other names: c.(?_-1)_(*1_?)del (LRG_318t1).
Identifiers: ClinVar variation 216092 (VCV000216092.1).

ClinVar aggregate classification (germline): Pathogenic (1 of 4 stars; one submission).

Conditions:
Generalized juvenile polyposis/juvenile polyposis coli. Also called: Juvenile polyposis coli. Identifiers: Orphanet 329971, MedGen C1868081, MONDO:0008276.

Submission:

Labcorp Genetics (formerly Invitae), Labcorp
Classification: Pathogenic for Juvenile polyposis syndrome. Last evaluated: 2015-04-10. Review status: criteria provided, single submitter. Criteria: Invitae Variant Classification Sherloc (09022015). Collection method: clinical testing. Allele origin: germline.
Comment: A gross deletion of the genomic region encompassing the full coding sequence of the SMAD4 gene has been identified. Deletion of the SMAD4 has been reported in the literature and known to be pathogenic (PMID: 17873119). For these reasons, this variant has been classified as Pathogenic.